The following is an entry in ClinVar:

ClinVar aggregate classification (germline): Uncertain significance. Review status: criteria provided, multiple submitters, no conflicts (2 of 4 stars). 2 submissions from 2 submitters: Uncertain significance (2). Last evaluated 2025-09-24.

Conditions:
Charcot-Marie-Tooth disease axonal type 2O. Also called: CHARCOT-MARIE-TOOTH NEUROPATHY, AXONAL, TYPE 2O; CHARCOT-MARIE-TOOTH DISEASE, AXONAL, AUTOSOMAL DOMINANT, TYPE 2O; Charcot-Marie-Tooth Neuropathy Type 2O; Charcot-Marie-Tooth disease, axonal, type 20. Identifiers: Orphanet 284232, MedGen C3280220, MONDO:0013644, OMIM 614228.

Submissions (2):

Labcorp Genetics (formerly Invitae), Labcorp
Classification: Uncertain significance for Charcot-Marie-Tooth disease axonal type 2O. Last evaluated: 2025-09-24. Review status: criteria provided, single submitter. Criteria: Invitae Variant Classification Sherloc (09022015). Collection method: clinical testing. Allele origin: germline.
Comment: This sequence change replaces lysine, which is basic and polar, with glutamic acid, which is acidic and polar, at codon 85 of the DYNC1H1 protein (p.Lys85Glu). This variant is not present in population databases (gnomAD no frequency). This variant has not been reported in the literature in individuals affected with DYNC1H1-related conditions. ClinVar contains an entry for this variant (Variation ID: 2441061). Invitae Evidence Modeling of protein sequence and biophysical properties (such as structural, functional, and spatial information, amino acid conservation, physicochemical variation, residue mobility, and thermodynamic stability) indicates that this missense variant is not expected to disrupt DYNC1H1 protein function with a negative predictive value of 95%. In summary, the available evidence is currently insufficient to determine the role of this variant in disease. Therefore, it has been classified as a Variant of Uncertain Significance.

Revvity Omics, Revvity
Classification: Uncertain significance. Last evaluated: 2019-12-27. Review status: criteria provided, single submitter. Criteria: ACMG Guidelines, 2015. Collection method: clinical testing. Allele origin: germline.

NM_001376.5(DYNC1H1):c.253A>G (p.Lys85Glu)

Gene: DYNC1H1 (dynein cytoplasmic 1 heavy chain 1; plus strand). Cytogenetic location: 14q32.31.
Variant type: single nucleotide variant.
Coding change: c.253A>G on transcript NM_001376.5 (MANE Select); coding-DNA position 253, A replaced by G.
Protein change: p.Lys85Glu; replaces lysine 85 with glutamic acid.
Molecular consequence: missense variant.
Genome position (GRCh38, 1-based): chr14:101,964,944, A>G. VCF-style: chr14-101964944-A-G. GRCh37 (hg19) VCF-style: chr14-102431281-A-G.
Other names: short protein forms K85E.
Identifiers: ClinVar variation 2441061 (VCV002441061.4), dbSNP rs2503644728, ClinGen allele CA391003890.
Genomic context (GRCh38, chr14:101,964,944, plus strand): 5'-ATGCGCAAGTTCCTTTCGGACCCGCAGGTCCACACGGTGCTGGTGGAGCGCTCCACGCTC[A>G]AAGGTGCGGGGCCGCGGAGGGCAGGGTCGCCAGAGCCAGGCCTCGCGGAATGCAGGGCCT-3'
Protein context (NP_001367.2, residues 75-95): HTVLVERSTL[Lys85Glu]EDVGDEGEEE